The following is an entry in ClinVar:

ClinVar aggregate classification (germline): Uncertain significance (1 of 4 stars; one submission).

Allele frequency attached by ClinVar (database versions not stated): gnomAD exomes below 0.00001.
gnomAD v4.1: 5 of 1,541,760 alleles (0.00032%); highest among the groups gnomAD compares: Non-Finnish European, 0.00044%; no homozygotes.

Submission:

GeneDx
Classification: Uncertain significance. Last evaluated: 2022-03-21. Review status: criteria provided, single submitter. Criteria: GeneDx Variant Classification Process June 2021. Collection method: clinical testing. Allele origin: germline. Affected: yes.
Comment: Not observed at significant frequency in large population cohorts (gnomAD); In silico analysis supports that this missense variant has a deleterious effect on protein structure/function; Has not been previously published as pathogenic or benign to our knowledge

NM_001379029.1(CERT1):c.1289A>G (p.Tyr430Cys)

Gene: CERT1 (ceramide transporter 1; minus strand). Cytogenetic location: 5q13.3.
Variant type: single nucleotide variant.
Coding change: c.1289A>G on transcript NM_001379029.1 (MANE Select); coding-DNA position 1289, A replaced by G.
Protein change: p.Tyr430Cys; replaces tyrosine 430 with cysteine.
Molecular consequence: missense variant.
Genome position (GRCh38, 1-based): chr5:75,386,030, T>C on the plus strand (A>G on the coding strand, the complement: CERT1 is on the minus strand). VCF-style: chr5-75386030-T-C. GRCh37 (hg19) VCF-style: chr5-74681855-T-C.
Other names: c.1673A>G, p.Tyr558Cys (NM_001130105.1); c.1289A>G, p.Tyr430Cys (NM_001379002.1, NM_005713.3); c.1211A>G, p.Tyr404Cys (NM_001379003.1, NM_001379004.1, NM_031361.3); short protein forms Y404C, Y430C, Y558C.
Identifiers: ClinVar variation 1707359 (VCV001707359.2), dbSNP rs2478914346, ClinGen allele CA360142279.
Genomic context (GRCh38, chr5:75,386,030, plus strand): 5'-ACTGCATGGGTAGCTTTTAAAGGATCCAGAACAATCCCATTTTCTTCTACTTCTCTTCTG[T>C]ATACCTAAAGAGAACATAATTCCAAAACTGTTTGAAAATTAAAAATCAAGCCCATAAAAG-3'
Protein context (NP_001365958.1, residues 420-440): LVVEEGEMKV[Tyr430Cys]RREVEENGIV